The following is an entry in ClinVar:

NM_004727.3(SLC24A1):c.2764T>C (p.Trp922Arg)

Gene: SLC24A1 (solute carrier family 24 member 1; plus strand). Cytogenetic location: 15q22.31.
Variant type: single nucleotide variant.
Coding change: c.2764T>C on transcript NM_004727.3 (MANE Select); coding-DNA position 2764, T replaced by C.
Protein change: p.Trp922Arg; replaces tryptophan 922 with arginine.
Molecular consequence: missense variant.
Genome position (GRCh38, 1-based): chr15:65,650,913, T>C. VCF-style: chr15-65650913-T-C. GRCh37 (hg19) VCF-style: chr15-65943251-T-C.
Other names: c.745T>C, p.Trp249Arg (NM_001254740.2); c.2764T>C, p.Trp922Arg (NM_001301031.1); c.2710T>C, p.Trp904Arg (NM_001301032.1, NM_001301033.2); short protein forms W922R, W249R, W904R.
Identifiers: ClinVar variation 286514 (VCV000286514.43), dbSNP rs146253044, ClinGen allele CA7620194.

ClinVar aggregate classification (germline): Conflicting classifications of pathogenicity. Review status: criteria provided, conflicting classifications (1 of 4 stars). 4 submissions from 4 submitters: Uncertain significance (1); Likely benign (3). Last evaluated 2026-02-04.

Conditions:
Congenital stationary night blindness 1D. Also called: Night blindness, congenital stationary (complete), 1D, autosomal recessive. Identifiers: Orphanet 215, MedGen C3151193, MONDO:0013450, OMIM 613830.

Allele frequency attached by ClinVar (database versions not stated): gnomAD 0.00268 and 0.00270; 1000 Genomes Project 30x 0.00281; ExAC 0.00288; 1000 Genomes Project 0.00300; ESP Exome Variant Server 0.00321; gnomAD exomes 0.00364 and 0.00256; TOPMed 0.00241.

Submissions (4):

Labcorp Genetics (formerly Invitae), Labcorp
Classification: Likely benign. Last evaluated: 2026-02-04. Review status: criteria provided, single submitter. Criteria: Invitae Variant Classification Sherloc (09022015). Collection method: clinical testing. Allele origin: germline.

CeGaT Center for Human Genetics Tuebingen
Classification: Likely benign. Last evaluated: 2023-02-01. Review status: criteria provided, single submitter. Criteria: CeGaT Center For Human Genetics Tuebingen Variant Classification Criteria Version 2. Collection method: clinical testing. Allele origin: germline. Affected: yes. Observed: 1 variant allele.
Comment: SLC24A1: BS2

Illumina Laboratory Services, Illumina
Classification: Uncertain significance for Congenital stationary night blindness 1D. Last evaluated: 2017-04-27. Review status: criteria provided, single submitter. Criteria: ICSL Variant Classification Criteria 13 December 2019. Collection method: clinical testing. Allele origin: germline.
Comment: This variant was observed as part of a predisposition screen in an ostensibly healthy population. A literature search was performed for the gene, cDNA change, and amino acid change (where applicable). Publications were found based on this search. However, the evidence from the literature, in combination with allele frequency data from public databases where available, was not sufficient to rule this variant in or out of causing disease. Therefore, this variant is classified as a variant of unknown significance.

Eurofins Ntd Llc (ga)
Classification: Likely benign. Last evaluated: 2016-04-04. Review status: criteria provided, single submitter. Criteria: EGL Classification Definitions 2015. Collection method: clinical testing. Allele origin: germline. Observed: 2 variant alleles, 2 heterozygotes.

Literature cited by the submitters: PubMed 12037007 (cited by Illumina Laboratory Services, Illumina).